The following is an entry in ClinVar:

ClinVar aggregate classification (germline): Benign/Likely benign. Review status: criteria provided, multiple submitters, no conflicts (2 of 4 stars). 3 submissions from 3 submitters: Benign (1); Likely benign (2). Last evaluated 2025-08-20.

Conditions:
Hereditary cancer-predisposing syndrome. Also called: Hereditary neoplastic syndrome; Tumor predisposition; Neoplastic Syndromes, Hereditary; Hereditary Cancer Syndrome. Identifiers: Orphanet 140162, MedGen C0027672, MeSH D009386, MONDO:0015356.
Hereditary diffuse gastric adenocarcinoma (HDGC). Also called: DIFFUSE GASTRIC AND LOBULAR BREAST CANCER SYNDROME. Identifiers: Orphanet 26106, MedGen C1708349, MONDO:0007648, OMIM 137215.

Allele frequency attached by ClinVar (database versions not stated): gnomAD exomes below 0.00001; ExAC 0.00001.
gnomAD v4.1: 3 of 1,613,752 alleles (0.00019%); highest among the groups gnomAD compares: Non-Finnish European, 0.00025%; no homozygotes.

Submissions (3):

Labcorp Genetics (formerly Invitae), Labcorp
Classification: Likely benign. Last evaluated: 2025-08-20. Review status: criteria provided, single submitter. Criteria: Invitae Variant Classification Sherloc (09022015). Collection method: clinical testing. Allele origin: germline.

Myriad Genetics, Inc.
Classification: Benign for Hereditary diffuse gastric adenocarcinoma. Last evaluated: 2024-10-15. Review status: criteria provided, single submitter. Criteria: Myriad Autosomal Dominant, Autosomal Recessive and X-Linked Classification Criteria (2023). Collection method: clinical testing. Allele origin: unknown.
Comment: This variant is considered benign. This variant is a silent/synonymous amino acid change and it is not expected to impact splicing.

Ambry Genetics
Classification: Likely benign for Hereditary cancer-predisposing syndrome. Last evaluated: 2024-02-20. Review status: criteria provided, single submitter. Criteria: Ambry Variant Classification Scheme 2023. Collection method: clinical testing. Allele origin: germline.

NM_001903.5(CTNNA1):c.2274G>A (p.Lys758=)

Gene: CTNNA1 (catenin alpha 1; plus strand). Cytogenetic location: 5q31.2.
Variant type: single nucleotide variant.
Coding change: c.2274G>A on transcript NM_001903.5 (MANE Select); coding-DNA position 2274, G replaced by A.
Protein change: p.Lys758=; no amino-acid change (lysine 758 retained).
Molecular consequence: synonymous variant.
Genome position (GRCh38, 1-based): chr5:138,930,911, G>A. VCF-style: chr5-138930911-G-A. GRCh37 (hg19) VCF-style: chr5-138266600-G-A.
Other names: c.2274G>A (NM_001903.2); c.2274G>A, p.Lys758= (NM_001290307.3, NM_001323982.2, NM_001323983.1 and 2 more transcripts); c.1965G>A, p.Lys655= (NM_001290309.3); c.1905G>A, p.Lys635= (NM_001290310.3); c.1164G>A, p.Lys388= (NM_001290312.1, NM_001323987.1, NM_001323988.1 and 17 more transcripts); c.2181G>A, p.Lys727= (NM_001323986.2); c.825G>A, p.Lys275= (NM_001324006.1, NM_001324007.1, NM_001324008.1 and 2 more transcripts); c.1071G>A, p.Lys357= (NM_001324011.1); and 1 more.
Identifiers: ClinVar variation 2419901 (VCV002419901.9), dbSNP rs763256034, ClinGen allele CA3432146.